The following is an entry in ClinVar:

ClinVar aggregate classification (germline): Uncertain significance. Review status: criteria provided, multiple submitters, no conflicts (2 of 4 stars). 2 submissions from 2 submitters: Uncertain significance (2). Last evaluated 2026-07-13.

Conditions:
Cardiovascular phenotype. Identifiers: MedGen CN230736.
Hypertrophic cardiomyopathy. Also called: HYPERTROPHIC MYOCARDIOPATHY. Identifiers: Orphanet 217569, MedGen C0007194, MeSH D002312, MONDO:0005045, HP:0001639.

gnomAD v4.1: 1 of 1,559,206 alleles (0.000064%); highest among the groups gnomAD compares: East Asian, 0.0024%; no homozygotes.

Submissions (2):

Ambry Genetics
Classification: Uncertain significance for Cardiovascular phenotype. Last evaluated: 2026-07-13. Review status: criteria provided, single submitter. Criteria: Ambry Variant Classification Scheme 2023. Collection method: clinical testing. Allele origin: germline.
Comment: The p.P132R variant (also known as c.395C>G), located in coding exon 3 of the MYBPC3 gene, results from a C to G substitution at nucleotide position 395. The proline at codon 132 is replaced by arginine, an amino acid with dissimilar properties. This amino acid position is conserved. In addition, this alteration is predicted to be tolerated by in silico analysis. Based on the available evidence, the clinical significance of this variant remains unclear.

Labcorp Genetics (formerly Invitae), Labcorp
Classification: Uncertain significance for Hypertrophic cardiomyopathy. Last evaluated: 2025-08-24. Review status: criteria provided, single submitter. Criteria: Invitae Variant Classification Sherloc (09022015). Collection method: clinical testing. Allele origin: germline.
Comment: This sequence change replaces proline, which is neutral and non-polar, with arginine, which is basic and polar, at codon 132 of the MYBPC3 protein (p.Pro132Arg). This variant is not present in population databases (gnomAD no frequency). This variant has not been reported in the literature in individuals affected with MYBPC3-related conditions. An algorithm developed to predict the effect of missense changes on protein structure and function (PolyPhen-2) suggests that this variant is likely to be tolerated. In summary, the available evidence is currently insufficient to determine the role of this variant in disease. Therefore, it has been classified as a Variant of Uncertain Significance.

NM_000256.3(MYBPC3):c.395C>G (p.Pro132Arg)

Gene: MYBPC3 (myosin binding protein C3; minus strand). Cytogenetic location: 11p11.2.
Variant type: single nucleotide variant.
Coding change: c.395C>G on transcript NM_000256.3 (MANE Select); coding-DNA position 395, C replaced by G.
Protein change: p.Pro132Arg; replaces proline 132 with arginine.
Molecular consequence: missense variant.
Genome position (GRCh38, 1-based): chr11:47,350,513, G>C on the plus strand (C>G on the coding strand, the complement: MYBPC3 is on the minus strand). VCF-style: chr11-47350513-G-C. GRCh37 (hg19) VCF-style: chr11-47372064-G-C.
Other names: short protein forms P132R.
Identifiers: ClinVar variation 4769880 (VCV004769880.2).
Genomic context (GRCh38, chr11:47,350,513, plus strand): 5'-GACACGCCCTACCCACGGATCCTGCCCCTCCCTGCCCAGCCCCTCTCACCTTTGGGACTT[G>C]GGGCACTTTCTCCCAGCTCAGCGGCTGGGGCCGGGGCTTCTCCAGGGGCTCCAGTGGCCT-3'
Protein context (NP_000247.2, residues 122-142): APAAELGESA[Pro132Arg]SPKGSSSAAL